The following is an entry in ClinVar:

NM_032608.7(MYO18B):c.2189G>A (p.Arg730His)

Gene: MYO18B (myosin XVIIIB; plus strand). Cytogenetic location: 22q12.1.
Variant type: single nucleotide variant.
Coding change: c.2189G>A on transcript NM_032608.7 (MANE Select); coding-DNA position 2189, G replaced by A.
Protein change: p.Arg730His; replaces arginine 730 with histidine.
Molecular consequence: missense variant.
Genome position (GRCh38, 1-based): chr22:25,780,176, G>A. VCF-style: chr22-25780176-G-A. GRCh37 (hg19) VCF-style: chr22-26176143-G-A.
Other names: c.2189G>A, p.Arg730His (NM_001318245.2); short protein forms R730H.
Identifiers: ClinVar variation 1516086 (VCV001516086.7), dbSNP rs754694367, ClinGen allele CA10160076.
Genomic context (GRCh38, chr22:25,780,176, plus strand): 5'-ACAGCCGCAGTGCCACCCGGTTCTCCATGGTGATGTCGCTGGACTTCAACGCTACAGGCC[G>A]CATCACAGCTGCTCAGCTCCAGGTGAGGCCTCTCGGGGGATGTGCAAGGGGGCCCTTGGG-3'
Protein context (NP_115997.5, residues 720-740): VMSLDFNATG[Arg730His]ITAAQLQTML

ClinVar aggregate classification (germline): Uncertain significance. Review status: criteria provided, multiple submitters, no conflicts (2 of 4 stars). 3 submissions from 3 submitters: Uncertain significance (3). Last evaluated 2023-10-19.

Conditions:
Klippel-Feil anomaly-myopathy-facial dysmorphism syndrome. Also called: Klippel-feil syndrome 4, autosomal recessive, with nemaline myopathy and facial dysmorphism; Klippel-Feil syndrome 4, autosomal recessive, with myopathy and facial dysmorphism. Identifiers: Orphanet 447974, MedGen C4225285, MONDO:0014689, OMIM 616549.

Allele frequency attached by ClinVar (database versions not stated): TOPMed 0.00001; gnomAD exomes 0.00010; ExAC 0.00016.
gnomAD v4.1: 92 of 1,605,070 alleles (0.0057%); highest among the groups gnomAD compares: South Asian, 0.064%; no homozygotes.

Submissions (3):

Revvity Omics, Revvity
Classification: Uncertain significance for Klippel-Feil anomaly-myopathy-facial dysmorphism syndrome. Last evaluated: 2023-10-19. Review status: criteria provided, single submitter. Criteria: ACMG Guidelines, 2015. Collection method: clinical testing. Allele origin: germline.

Blueprint Genetics
Classification: Uncertain significance. Last evaluated: 2023-09-18. Review status: criteria provided, single submitter. Criteria: ACMG Guidelines, 2015. Collection method: clinical testing. Allele origin: germline.

Labcorp Genetics (formerly Invitae), Labcorp
Classification: Uncertain significance. Last evaluated: 2022-06-13. Review status: criteria provided, single submitter. Criteria: Invitae Variant Classification Sherloc (09022015). Collection method: clinical testing. Allele origin: germline.
Comment: This sequence change replaces arginine, which is basic and polar, with histidine, which is basic and polar, at codon 730 of the MYO18B protein (p.Arg730His). The frequency data for this variant in the population databases is considered unreliable, as metrics indicate poor data quality at this position in the gnomAD database. This variant has not been reported in the literature in individuals affected with MYO18B-related conditions. Algorithms developed to predict the effect of missense changes on protein structure and function are either unavailable or do not agree on the potential impact of this missense change (SIFT: "Not Available"; PolyPhen-2: "Probably Damaging"; Align-GVGD: "Not Available"). In summary, the available evidence is currently insufficient to determine the role of this variant in disease. Therefore, it has been classified as a Variant of Uncertain Significance.